The following is an entry in ClinVar:

NM_000046.5(ARSB):c.264G>C (p.Gln88His)

Genes: ARSB (arylsulfatase B; minus strand), LOC129994126 (ATAC-STARR-seq lymphoblastoid silent region 16127; plus strand). Cytogenetic location: 5q14.1.
Variant type: single nucleotide variant.
Coding change: c.264G>C on transcript NM_000046.5 (MANE Select); coding-DNA position 264, G replaced by C.
Protein change: p.Gln88His; replaces glutamine 88 with histidine.
Molecular consequence: missense variant.
Genome position (GRCh38, 1-based): chr5:78,984,985, C>G on the plus strand (G>C on the coding strand, the complement: ARSB is on the minus strand). VCF-style: chr5-78984985-C-G. GRCh37 (hg19) VCF-style: chr5-78280808-C-G.
Other names: c.264G>C, p.Gln88His (NM_198709.3); short protein forms Q88H.
Identifiers: ClinVar variation 559754 (VCV000559754.1), dbSNP rs750947605, ClinGen allele CA360196494.

ClinVar aggregate classification (germline): Uncertain significance (1 of 4 stars; one submission).

Conditions:
Mucopolysaccharidosis type 6 (MPS6). Also called: N-ACETYLGALACTOSAMINE-4-SULFATASE DEFICIENCY; MPS VI; MPS 6; Maroteaux Lamy syndrome; ARSB DEFICIENCY; ARYLSULFATASE B DEFICIENCY. Identifiers: Orphanet 583, MedGen C0026709, MONDO:0009661, OMIM 253200.

Submission:

Laboratory of Diagnosis and Therapy of Lysosomal Disorders, University of Padova
Classification: Uncertain significance for Mucopolysaccharidosis type 6. Last evaluated: 2018-01-01. Review status: criteria provided, single submitter. Criteria: ACMG Guidelines, 2015. Collection method: curation. Allele origin: germline. Affected: yes.
Comment: Absent from GnomAD (PM2)

Literature cited by the submitters: PubMed 16435196; PubMed 30118150.